The following is an entry in ClinVar:

NC_000002.11:g.(?_182413252)_(182438631_?)del

Gene: CERKL (ceramide kinase like; minus strand). Cytogenetic location: 2q31.3.
Variant type: Deletion.
Identifiers: ClinVar variation 1070010 (VCV001070010.1).

ClinVar aggregate classification (germline): Pathogenic (1 of 4 stars; one submission).

Submission:

Labcorp Genetics (formerly Invitae), Labcorp
Classification: Pathogenic. Last evaluated: 2020-09-18. Review status: criteria provided, single submitter. Criteria: Invitae Variant Classification Sherloc (09022015). Collection method: clinical testing. Allele origin: germline.
Comment: This variant is an out-of-frame deletion of the genomic region encompassing exon(s) 3-9 of the CERKL gene. This is expected to create a premature translational stop signal and result in an absent or disrupted protein product. This variant has not been reported in the literature in individuals with CERKL-related conditions. Loss-of-function variants in CERKL are known to be pathogenic (PMID: 14681825, 24043777). For these reasons, this variant has been classified as Pathogenic.

Literature cited by the submitters: PubMed 14681825; PubMed 24043777.